The following is an entry in ClinVar:

NM_152564.5(VPS13B):c.11759G>C (p.Arg3920Pro)

Gene: VPS13B (vacuolar protein sorting 13 homolog B; plus strand). Cytogenetic location: 8q22.2.
Variant type: single nucleotide variant.
Coding change: c.11759G>C on transcript NM_152564.5 (MANE Select); coding-DNA position 11759, G replaced by C.
Protein change: p.Arg3920Pro; replaces arginine 3920 with proline.
Molecular consequence: missense variant.
Genome position (GRCh38, 1-based): chr8:99,875,431, G>C. VCF-style: chr8-99875431-G-C. GRCh37 (hg19) VCF-style: chr8-100887659-G-C.
Other names: c.11834G>C, p.Arg3945Pro (NM_017890.5); short protein forms R3920P, R3945P.
Identifiers: ClinVar variation 1369506 (VCV001369506.6), dbSNP rs147907236, ClinGen allele CA371795487.

ClinVar aggregate classification (germline): Uncertain significance (1 of 4 stars; one submission).

Conditions:
Cohen syndrome (COH1). Also called: PEPPER SYNDROME; Cutis verticis gyrata, retinitis pigmentosa, and sensorineural deafness. Identifiers: Orphanet 193, MedGen C0265223, MONDO:0008999, OMIM 216550.

Submission:

Labcorp Genetics (formerly Invitae), Labcorp
Classification: Uncertain significance for Cohen syndrome. Last evaluated: 2021-07-24. Review status: criteria provided, single submitter. Criteria: Invitae Variant Classification Sherloc (09022015). Collection method: clinical testing. Allele origin: germline.
Comment: In summary, the available evidence is currently insufficient to determine the role of this variant in disease. Therefore, it has been classified as a Variant of Uncertain Significance. Algorithms developed to predict the effect of missense changes on protein structure and function are either unavailable or do not agree on the potential impact of this missense change (SIFT: "Not Available"; PolyPhen-2: "Possibly Damaging"; Align-GVGD: "Not Available"). This variant has not been reported in the literature in individuals affected with VPS13B-related conditions. This variant is not present in population databases (ExAC no frequency). This sequence change replaces arginine with proline at codon 3945 of the VPS13B protein (p.Arg3945Pro). The arginine residue is moderately conserved and there is a moderate physicochemical difference between arginine and proline.